The following is an entry in ClinVar:

ClinVar aggregate classification (germline): Pathogenic/Likely pathogenic. Review status: criteria provided, multiple submitters, no conflicts (2 of 4 stars). 3 submissions from 3 submitters: Pathogenic (1); Likely pathogenic (1). 1 of the submissions does not count toward it. Last evaluated 2024-12-23.

Conditions:
Thrombocytopenia 1. Also called: THROMBOCYTOPENIA, X-LINKED, 1; X-linked thrombocytopenia with normal platelets; X-Linked Thrombocytopenia (XLT). Identifiers: Orphanet 268322, Orphanet 852, MedGen C1839163, MONDO:0010743, OMIM 313900.
X-linked severe congenital neutropenia (SCNX). Identifiers: Orphanet 86788, MedGen C1845987, MONDO:0010294, OMIM 300299.
Wiskott-Aldrich syndrome (WAS). Also called: Wiskott-aldrich syndrome, somatic; ALDRICH SYNDROME; IMMUNODEFICIENCY 2; WISKOTT-ALDRICH SYNDROME 1. Identifiers: Orphanet 906, MedGen C0043194, MONDO:0010518, OMIM 301000.

Submissions (3):

Labcorp Genetics (formerly Invitae), Labcorp
Classification: Pathogenic for Wiskott-Aldrich syndrome; X-linked severe congenital neutropenia; Thrombocytopenia 1. Last evaluated: 2024-12-23. Review status: criteria provided, single submitter. Criteria: Invitae Variant Classification Sherloc (09022015). Collection method: clinical testing. Allele origin: germline.
Comment: This sequence change creates a premature translational stop signal (p.Ser242Valfs*19) in the WAS gene. It is expected to result in an absent or disrupted protein product. Loss-of-function variants in WAS are known to be pathogenic (PMID: 15284122). This variant is not present in population databases (gnomAD no frequency). This premature translational stop signal has been observed in individual(s) with Wiskott–Aldrich syndrome (PMID: 17250667). ClinVar contains an entry for this variant (Variation ID: 1076500). For these reasons, this variant has been classified as Pathogenic.

GeneDx
Classification: Likely pathogenic. Last evaluated: 2019-04-24. Review status: criteria provided, single submitter. Criteria: GeneDx Variant Classification Process June 2021. Collection method: clinical testing. Allele origin: germline. Affected: yes.
Comment: Frameshift variant predicted to result in protein truncation or nonsense mediated decay in a gene for which loss-of-function is a known mechanism of disease; Not observed in large population cohorts (Lek et al., 2016); This variant is associated with the following publications: (PMID: 17250667)

OMIM
Classification: Pathogenic for WISKOTT-ALDRICH SYNDROME. Last evaluated: 2007-02-01. Review status: no assertion criteria provided. Collection method: literature only. Allele origin: germline. Not counted in ClinVar's aggregate classification.

Literature cited by the submitters: PubMed 15284122 (cited by Labcorp Genetics (formerly Invitae), Labcorp); PubMed 17250667 (cited by Labcorp Genetics (formerly Invitae), Labcorp and OMIM).

NM_000377.3(WAS):c.723del (p.Ser242fs)

Gene: WAS (WASP actin nucleation promoting factor; plus strand). Cytogenetic location: Xp11.23.
Variant type: Deletion.
Coding change: c.723del on transcript NM_000377.3 (MANE Select); coding-DNA position 723, one base deleted (C; older notation c.723delC).
Protein change: p.Ser242fs; shifts the reading frame from serine 242.
Molecular consequence: frameshift variant.
Genome position (GRCh38, 1-based): chrX:48,686,944, C deleted; the last of 3 consecutive C bases (chrX:48,686,942-48,686,944); deleting any one gives the same sequence. VCF-style (leftmost placement, unchanged base first): chrX-48686941-AC-A. GRCh37 (hg19) VCF-style: chrX-48545330-AC-A.
Other names: short protein forms S242fs.
Identifiers: ClinVar variation 1076500 (VCV001076500.12), dbSNP rs2147264981, ClinGen allele CA2499226742.